The following is an entry in ClinVar:

ClinVar aggregate classification (germline): Uncertain significance (1 of 4 stars; one submission).

Conditions:
Aicardi-Goutieres syndrome 7 (AGS7). Identifiers: Orphanet 51, MedGen C3888244, MONDO:0014367, OMIM 615846.
Singleton-Merten syndrome 1 (SGMRT1). Also called: Widened medullary cavities of bone, aortic calcification, abnormal dentition, and muscular weakness; Syndrome of widened medullary cavities of the metacarpals and phalanges, aortic calcification and abnormal dentition. Identifiers: Orphanet 85191, MedGen C4225427, MONDO:0024535, OMIM 182250.

Submission:

Labcorp Genetics (formerly Invitae), Labcorp
Classification: Uncertain significance for Aicardi-Goutieres syndrome 7; Singleton-Merten syndrome 1. Last evaluated: 2022-03-02. Review status: criteria provided, single submitter. Criteria: Invitae Variant Classification Sherloc (09022015). Collection method: clinical testing. Allele origin: germline.
Comment: In summary, the available evidence is currently insufficient to determine the role of this variant in disease. Therefore, it has been classified as a Variant of Uncertain Significance. Algorithms developed to predict the effect of sequence changes on RNA splicing suggest that this variant may create or strengthen a splice site. Experimental studies and prediction algorithms are not available or were not evaluated, and the functional significance of this variant is currently unknown. This variant has been observed in at least one individual who was not affected with IFIH1-related conditions (Invitae). This variant has not been reported in the literature in individuals affected with IFIH1-related conditions. This variant is not present in population databases (gnomAD no frequency). This variant, c.2324_2326del, results in the deletion of 1 amino acid(s) of the IFIH1 protein (p.Ile775del), but otherwise preserves the integrity of the reading frame.

NM_022168.4(IFIH1):c.2324_2326del (p.Ile775del)

Gene: IFIH1 (interferon induced with helicase C domain 1; minus strand). Cytogenetic location: 2q24.2.
Variant type: Deletion.
Coding change: c.2324_2326del on transcript NM_022168.4 (MANE Select); coding-DNA positions 2324 to 2326, 3 bases deleted (TTA; older notation c.2324_2326delTTA).
Protein change: p.Ile775del; deletes isoleucine 775.
Molecular consequence: inframe deletion.
Genome position (GRCh38, 1-based): chr2:162,273,923-162,273,925, TAA deleted on the plus strand (TTA on the coding strand, the reverse complement: IFIH1 is on the minus strand); deleting any 3 consecutive bases within chr2:162,273,923-162,273,926 gives the same sequence; the c. name uses the placement nearest the transcript's 3' end. VCF-style (leftmost placement, unchanged base first): chr2-162273922-CTAA-C. GRCh37 (hg19) VCF-style: chr2-163130432-CTAA-C.
Other names: short protein forms I775del.
Identifiers: ClinVar variation 1394540 (VCV001394540.6), dbSNP rs2105193787, ClinGen allele CA2573133436.